The following is an entry in ClinVar:

ClinVar aggregate classification (germline): Uncertain significance (1 of 4 stars; one submission).

Submission:

Mayo Clinic Laboratories, Mayo Clinic
Classification: Uncertain significance. Last evaluated: 2022-11-17. Review status: criteria provided, single submitter. Criteria: ACMG Guidelines, 2015. Collection method: clinical testing. Allele origin: germline. Observed: 1 variant allele.
Comment: PM2

NM_000312.4(PROC):c.389T>C (p.Phe130Ser)

Gene: PROC (protein C, inactivator of coagulation factors Va and VIIIa; plus strand). Cytogenetic location: 2q14.3.
Variant type: single nucleotide variant.
Coding change: c.389T>C on transcript NM_000312.4 (MANE Select); coding-DNA position 389, T replaced by C.
Protein change: p.Phe130Ser; replaces phenylalanine 130 with serine.
Molecular consequence: missense variant.
Genome position (GRCh38, 1-based): chr2:127,423,160, T>C. VCF-style: chr2-127423160-T-C. GRCh37 (hg19) VCF-style: chr2-128180736-T-C.
Other names: p.Phe130Ser; c.572T>C, p.Phe191Ser (NM_001375602.1); c.452T>C, p.Phe151Ser (NM_001375603.1, NM_001375604.1); c.389T>C, p.Phe130Ser (NM_001375605.1, NM_001375608.1, NM_001375611.1 and 1 more transcripts); c.544T>C, p.Ser182Pro (NM_001375606.1); c.473T>C, p.Phe158Ser (NM_001375607.1); c.365T>C, p.Phe122Ser (NM_001375609.1); c.383T>C, p.Phe128Ser (NM_001375610.1); short protein forms F122S, F128S, F130S, F151S, F158S, F191S, S182P.
Identifiers: ClinVar variation 2682746 (VCV002682746.1), dbSNP rs2468337444, ClinGen allele CA348399180.
Genomic context (GRCh38, chr2:127,423,160, plus strand): 5'-CGTGCATCGACGGCATCGGCAGCTTCAGCTGCGACTGCCGCAGCGGCTGGGAGGGCCGCT[T>C]CTGCCAGCGCGGTGAGGGGGAGAGGTGGATGCTGGCGGGCGGCGGGGCGGGGCTGGGGCC-3'
Protein context (NP_000303.1, residues 120-140): CDCRSGWEGR[Phe130Ser]CQREVSFLNC